The following is an entry in ClinVar:

ClinVar aggregate classification (germline): Uncertain significance (1 of 4 stars; one submission).

Conditions:
Nephronophthisis 16 (NPHP16). Identifiers: Orphanet 655, MedGen C3809320, MONDO:0014158, OMIM 615382.

Allele frequency attached by ClinVar (database versions not stated): TOPMed below 0.00001.

Submission:

Labcorp Genetics (formerly Invitae), Labcorp
Classification: Uncertain significance for Nephronophthisis 16. Last evaluated: 2022-06-13. Review status: criteria provided, single submitter. Criteria: Invitae Variant Classification Sherloc (09022015). Collection method: clinical testing. Allele origin: germline.
Comment: This sequence change replaces threonine, which is neutral and polar, with alanine, which is neutral and non-polar, at codon 80 of the ANKS6 protein (p.Thr80Ala). This variant is not present in population databases (gnomAD no frequency). This variant has not been reported in the literature in individuals affected with ANKS6-related conditions. ClinVar contains an entry for this variant (Variation ID: 474450). Algorithms developed to predict the effect of missense changes on protein structure and function are either unavailable or do not agree on the potential impact of this missense change (SIFT: "Deleterious"; PolyPhen-2: "Possibly Damaging"; Align-GVGD: "Class C0"). In summary, the available evidence is currently insufficient to determine the role of this variant in disease. Therefore, it has been classified as a Variant of Uncertain Significance.

NM_173551.5(ANKS6):c.238A>G (p.Thr80Ala)

Gene: ANKS6 (ankyrin repeat and sterile alpha motif domain containing 6; minus strand). Cytogenetic location: 9q22.33.
Variant type: single nucleotide variant.
Coding change: c.238A>G on transcript NM_173551.5 (MANE Select); coding-DNA position 238, A replaced by G.
Protein change: p.Thr80Ala; replaces threonine 80 with alanine.
Molecular consequence: missense variant.
Genome position (GRCh38, 1-based): chr9:98,796,254, T>C on the plus strand (A>G on the coding strand, the complement: ANKS6 is on the minus strand). VCF-style: chr9-98796254-T-C. GRCh37 (hg19) VCF-style: chr9-101558536-T-C.
Other names: short protein forms T80A.
Identifiers: ClinVar variation 474450 (VCV000474450.6), dbSNP rs1554752436, ClinGen allele CA374220366.